The following is an entry in ClinVar:

NM_001159699.2(FHL1):c.720C>G (p.Cys240Trp)

Gene: FHL1 (four and a half LIM domains 1; plus strand). Cytogenetic location: Xq26.3.
Variant type: single nucleotide variant.
Coding change: c.720C>G on transcript NM_001159699.2 (MANE Select); coding-DNA position 720, C replaced by G.
Protein change: p.Cys240Trp; replaces cysteine 240 with tryptophan.
Molecular consequence: missense variant. On other transcripts: non-coding transcript variant (1), intron variant (2).
Genome position (GRCh38, 1-based): chrX:136,208,625, C>G. VCF-style: chrX-136208625-C-G. GRCh37 (hg19) VCF-style: chrX-135290784-C-G.
Other names: c.672C>G, p.Cys224Trp (NM_001159700.2, NM_001159702.3, NM_001159704.1 and 8 more transcripts); c.759C>G, p.Cys253Trp (NM_001159701.2); c.501+664C>G (NM_001159703.2); c.549+664C>G (NM_001330659.2); short protein forms C224W, C240W, C253W.
Identifiers: ClinVar variation 11548 (VCV000011548.18), dbSNP rs122458141, ClinGen allele CA255927.

ClinVar aggregate classification (germline): Pathogenic/Likely pathogenic. Review status: criteria provided, multiple submitters, no conflicts (2 of 4 stars). 7 submissions from 7 submitters: Pathogenic (4); Likely pathogenic (1). 2 of the submissions do not count toward it. Last evaluated 2026-01-27.

Conditions:
FHL1-related disorder. Also called: FHL1-related condition; FHL1-related disorders.
X-linked myopathy with postural muscle atrophy. Also called: FHL1-Related Emery-Dreifuss Muscular Dystrophy, X-Linked. Identifiers: Orphanet 178461, MedGen C2678055, MONDO:0010401, OMIM 300696.

Submissions (7):

Labcorp Genetics (formerly Invitae), Labcorp
Classification: Pathogenic for X-linked myopathy with postural muscle atrophy. Last evaluated: 2026-01-27. Review status: criteria provided, single submitter. Criteria: Invitae Variant Classification Sherloc (09022015). Collection method: clinical testing. Allele origin: germline.
Comment: This sequence change replaces cysteine, which is neutral and slightly polar, with tryptophan, which is neutral and slightly polar, at codon 224 of the FHL1 protein (p.Cys224Trp). This variant is not present in population databases (gnomAD no frequency). This missense change has been observed in individual(s) with myopathy with postural muscle atrophy and generalized hypertrophy (PMID: 18179888, 19687455, 22923418). It has also been observed to segregate with disease in related individuals. ClinVar contains an entry for this variant (Variation ID: 11548). An algorithm developed to predict the effect of missense changes on protein structure and function (PolyPhen-2) suggests that this variant is likely to be disruptive. Experimental studies have shown that this missense change affects FHL1 function (PMID: 24634512). For these reasons, this variant has been classified as Pathogenic.

ARUP Laboratories, Molecular Genetics and Genomics, ARUP Laboratories
Classification: Pathogenic. Last evaluated: 2025-06-03. Review status: criteria provided, single submitter. Criteria: ARUP Molecular Germline Variant Investigation Process 2024. Collection method: clinical testing. Allele origin: germline.
Comment: The FHL1 c.672C>G; p.Cys224Trp variant (rs122458141, ClinVar Variation ID: 11548 ) is reported in the literature in individuals affected with X-linked postural muscle atrophy (XMPMA) and generalized hypertrophy (Binder 2012, Feldkirchner 2013, Schoser 2009). Additionally, this variant was found to segregate with disease in an X-linked recessive manner consistent with XMPMA in six individuals in a single family (Windpassinger 2008). This variant is absent from the Genome Aggregation Database (v2.1.1), indicating it is not a common polymorphism. Computational analyses predict that this variant is deleterious (REVEL: 0.798). In vitro functional analyses in C2C12 cells demonstrate similar expression to wildtype FHL1 but showed impaired differentiation (Wilding 2014), additionally patient muscle biopsy showed a marked decrease in protein expression of FHL1 (Windpassinger 2008). Based on available information, this variant is considered to be pathogenic. References: Binder JS et al. Spongious hypertrophic cardiomyopathy in patients with mutations in the four-and-a-half LIM domain 1 gene. Circ Cardiovasc Genet. 2012 Oct 1;5(5):490-502. PMID: 22923418. Feldkirchner S et al. Proteomic characterization of aggregate components in an intrafamilial variable FHL1-associated myopathy. Neuromuscul Disord. 2013 May;23(5):418-26. PMID: 23489660. Schoser B et al. Consequences of mutations within the C terminus of the FHL1 gene. Neurology. 2009 Aug 18;73(7):543-51. PMID: 19687455. Wilding BR et al. FHL1 mutants that cause clinically distinct human myopathies form protein aggregates and impair myoblast differentiation. J Cell Sci. 2014 May 15;127(Pt 10):2269-81. PMID: 24634512. Windpassinger C et al. An X-linked myopathy with postural muscle atrophy and generalized hypertrophy, termed XMPMA, is caused by mutations in FHL1. Am J Hum Genet. 2008 Jan;82(1):88-99. PMID: 18179888.

Blueprint Genetics
Classification: Pathogenic for FHL1-related disorders. Last evaluated: 2023-10-11. Review status: criteria provided, single submitter. Criteria: ACMG Guidelines, 2015. Collection method: clinical testing. Allele origin: germline. Affected: yes. Observed: 1 variant allele.

Institute of Human Genetics, University of Leipzig Medical Center
Classification: Likely pathogenic for X-linked myopathy with postural muscle atrophy. Last evaluated: 2019-01-01. Review status: criteria provided, single submitter. Criteria: ACMG Guidelines, 2015. Collection method: clinical testing. Allele origin: unknown. Affected: yes.

Eurofins Ntd Llc (ga)
Classification: Pathogenic. Last evaluated: 2016-03-23. Review status: criteria provided, single submitter. Criteria: EGL Classification Definitions 2015. Collection method: clinical testing. Allele origin: germline. Observed: 1 variant allele, 1 hemizygote.

Clinical Genetics Laboratory, University Hospital Schleswig-Holstein
Classification: Pathogenic for X-linked myopathy with postural muscle atrophy. Last evaluated: 2024-06-11. Review status: no assertion criteria provided. Collection method: clinical testing. Allele origin: germline. Affected: yes. Not counted in ClinVar's aggregate classification.

OMIM
Classification: Pathogenic for MYOPATHY, X-LINKED, WITH POSTURAL MUSCLE ATROPHY. Last evaluated: 2009-08-18. Review status: no assertion criteria provided. Collection method: literature only. Allele origin: germline. Not counted in ClinVar's aggregate classification.

Literature cited by the submitters: PubMed 18179888 (cited by Labcorp Genetics (formerly Invitae), Labcorp and OMIM); PubMed 19687455 (cited by Labcorp Genetics (formerly Invitae), Labcorp and OMIM); PubMed 22923418 (cited by Labcorp Genetics (formerly Invitae), Labcorp); PubMed 24634512 (cited by Labcorp Genetics (formerly Invitae), Labcorp).